The following is an entry in ClinVar:

NM_001379610.1(SPINK1):c.203A>T (p.Gln68Leu)

Gene: SPINK1 (serine peptidase inhibitor Kazal type 1; minus strand). Cytogenetic location: 5q32.
Variant type: single nucleotide variant.
Coding change: c.203A>T on transcript NM_001379610.1 (MANE Select); coding-DNA position 203, A replaced by T.
Protein change: p.Gln68Leu; replaces glutamine 68 with leucine.
Molecular consequence: missense variant.
Genome position (GRCh38, 1-based): chr5:147,824,698, T>A on the plus strand (A>T on the coding strand, the complement: SPINK1 is on the minus strand). VCF-style: chr5-147824698-T-A. GRCh37 (hg19) VCF-style: chr5-147204261-T-A.
Other names: c.203A>T, p.Gln68Leu (NM_001354966.2, NM_003122.5); short protein forms Q68L.
Identifiers: ClinVar variation 3223134 (VCV003223134.1), dbSNP rs760077990, ClinGen allele CA361885127.

ClinVar aggregate classification (germline): Uncertain significance (1 of 4 stars; one submission).

Conditions:
Hereditary pancreatitis (PCTT). Also called: Hereditary chronic pancreatitis; PRSS1-Related Hereditary Pancreatitis. Identifiers: Orphanet 676, MedGen C0238339, MONDO:0008185, OMIM 167800.

Submission:

Ambry Genetics
Classification: Uncertain significance for Hereditary pancreatitis. Last evaluated: 2024-02-23. Review status: criteria provided, single submitter. Criteria: Ambry Variant Classification Scheme 2023. Collection method: clinical testing. Allele origin: germline.
Comment: The p.Q68L variant (also known as c.203A>T), located in coding exon 4 of the SPINK1 gene, results from an A to T substitution at nucleotide position 203. The glutamine at codon 68 is replaced by leucine, an amino acid with dissimilar properties. This amino acid position is conserved. In addition, this alteration is predicted to be tolerated by in silico analysis. Based on the available evidence, the clinical significance of this alteration remains unclear.